The following is an entry in ClinVar:

NM_001040151.2(SCN3B):c.409ACG[1] (p.Thr138del)

Gene: SCN3B (sodium voltage-gated channel beta subunit 3; minus strand). Cytogenetic location: 11q24.1.
Variant type: Microsatellite.
Coding change: c.409ACG[1] on transcript NM_001040151.2 (MANE Select); one copy of the 3-base unit ACG starting at c.409; the reference has two copies in a row; one copy, 3 bases deleted.
Protein change: p.Thr138del; deletes threonine 138.
Molecular consequence: inframe deletion.
Genome position (GRCh38, 1-based): chr11:123,642,477-123,642,479, CGT deleted on the plus strand (ACG on the coding strand, the reverse complement: SCN3B is on the minus strand); deleting any 3 consecutive bases within chr11:123,642,477-123,642,483 gives the same sequence; the position shown is the placement nearest the transcript's 3' end. VCF-style (leftmost placement, unchanged base first): chr11-123642476-GCGT-G. GRCh37 (hg19) VCF-style: chr11-123513184-GCGT-G.
Other names: c.409ACG[1], p.Thr138del (NM_018400.4); short protein forms T138del.
Identifiers: ClinVar variation 986187 (VCV000986187.7), dbSNP rs72552144, ClinGen allele CA602258410.

ClinVar aggregate classification (germline): Uncertain significance. Review status: criteria provided, multiple submitters, no conflicts (2 of 4 stars). 2 submissions from 2 submitters: Uncertain significance (2). Last evaluated 2026-03-30.

Conditions:
Cardiovascular phenotype. Identifiers: MedGen CN230736.
Brugada syndrome 7 (BRGDA7). Identifiers: Orphanet 130, MedGen C2751088, MONDO:0013146, OMIM 613120.

Submissions (2):

Ambry Genetics
Classification: Uncertain significance for Cardiovascular phenotype. Last evaluated: 2026-03-30. Review status: criteria provided, single submitter. Criteria: Ambry Variant Classification Scheme 2023. Collection method: clinical testing. Allele origin: germline.
Comment: The c.412_414delACG variant (also known as p.T138del), located in coding exon 3 of the SCN3B gene, results from an in-frame ACG deletion at nucleotide positions 412 to 414. This results in the in-frame deletion of a threonine at codon 138. This amino acid position is well conserved in available vertebrate species. In addition, the in silico prediction for this variant is inconclusive (Choi Y et al. PLoS ONE. 2012; 7(10):e46688). The evidence for this gene-disease relationship is limited; therefore, the clinical significance of this variant is unclear.

Labcorp Genetics (formerly Invitae), Labcorp
Classification: Uncertain significance for Brugada syndrome 7. Last evaluated: 2025-06-10. Review status: criteria provided, single submitter. Criteria: Invitae Variant Classification Sherloc (09022015). Collection method: clinical testing. Allele origin: germline.
Comment: This variant, c.412_414del, results in the deletion of 1 amino acid(s) of the SCN3B protein (p.Thr138del), but otherwise preserves the integrity of the reading frame. This variant is present in population databases (no rsID available, gnomAD 0.002%). This variant has not been reported in the literature in individuals affected with SCN3B-related conditions. Experimental studies and prediction algorithms are not available or were not evaluated, and the functional significance of this variant is currently unknown. In summary, the available evidence is currently insufficient to determine the role of this variant in disease. Therefore, it has been classified as a Variant of Uncertain Significance.